The following is an entry in ClinVar:

ClinVar aggregate classification (germline): Uncertain significance. Review status: criteria provided, multiple submitters, no conflicts (2 of 4 stars). 2 submissions from 2 submitters: Uncertain significance (2). Last evaluated 2023-03-24.

Conditions:
Hereditary cancer-predisposing syndrome. Also called: Tumor predisposition; Hereditary Cancer Syndrome; Hereditary neoplastic syndrome; Neoplastic Syndromes, Hereditary. Identifiers: Orphanet 140162, MedGen C0027672, MeSH D009386, MONDO:0015356.
Hereditary pheochromocytoma and paraganglioma. Also called: Hereditary paragangliomas and pheochromocytomas; Hereditary Paraganglioma-Pheochromocytoma Syndromes; Hereditary pheochromocytoma-paraganglioma. Identifiers: Orphanet 29072, MedGen C4274332, MONDO:0017366.

Submissions (2):

Labcorp Genetics (formerly Invitae), Labcorp
Classification: Uncertain significance for Hereditary pheochromocytoma and paraganglioma. Last evaluated: 2023-03-24. Review status: criteria provided, single submitter. Criteria: Invitae Variant Classification Sherloc (09022015). Collection method: clinical testing. Allele origin: germline.
Comment: An algorithm developed to predict the effect of missense changes on protein structure and function (PolyPhen-2) suggests that this variant is likely to be tolerated. ClinVar contains an entry for this variant (Variation ID: 1460787). This variant has not been reported in the literature in individuals affected with SDHAF2-related conditions. This variant is not present in population databases (gnomAD no frequency). This sequence change replaces asparagine, which is neutral and polar, with serine, which is neutral and polar, at codon 134 of the SDHAF2 protein (p.Asn134Ser). In summary, the available evidence is currently insufficient to determine the role of this variant in disease. Therefore, it has been classified as a Variant of Uncertain Significance.

Ambry Genetics
Classification: Uncertain significance for Hereditary cancer-predisposing syndrome. Last evaluated: 2023-02-16. Review status: criteria provided, single submitter. Criteria: Ambry Variant Classification Scheme 2023. Collection method: clinical testing. Allele origin: germline.
Comment: The p.N134S variant (also known as c.401A>G), located in coding exon 4 of the SDHAF2 gene, results from an A to G substitution at nucleotide position 401. The asparagine at codon 134 is replaced by serine, an amino acid with highly similar properties. This amino acid position is conserved. In addition, this alteration is predicted to be tolerated by in silico analysis. Since supporting evidence is limited at this time, the clinical significance of this alteration remains unclear.

NM_017841.4(SDHAF2):c.401A>G (p.Asn134Ser)

Gene: SDHAF2 (succinate dehydrogenase complex assembly factor 2; plus strand). Cytogenetic location: 11q12.2.
Variant type: single nucleotide variant.
Coding change: c.401A>G on transcript NM_017841.4 (MANE Select); coding-DNA position 401, A replaced by G.
Protein change: p.Asn134Ser; replaces asparagine 134 with serine.
Molecular consequence: missense variant.
Genome position (GRCh38, 1-based): chr11:61,445,971, A>G. VCF-style: chr11-61445971-A-G. GRCh37 (hg19) VCF-style: chr11-61213443-A-G.
Other names: c.401A>G (NM_017841.2); short protein forms N134S.
Identifiers: ClinVar variation 1460787 (VCV001460787.9), dbSNP rs2134901967, ClinGen allele CA380685301.